The following is an entry in ClinVar:

NM_000686.5(AGTR2):c.378G>A (p.Leu126=)

Gene: AGTR2 (angiotensin II receptor type 2; plus strand). Cytogenetic location: Xq23.
Variant type: single nucleotide variant.
Coding change: c.378G>A on transcript NM_000686.5 (MANE Select); coding-DNA position 378, G replaced by A.
Protein change: p.Leu126=; no amino-acid change (leucine 126 retained).
Molecular consequence: synonymous variant.
Genome position (GRCh38, 1-based): chrX:116,172,658, G>A. VCF-style: chrX-116172658-G-A. GRCh37 (hg19) VCF-style: chrX-115303911-G-A.
Identifiers: ClinVar variation 738653 (VCV000738653.5), dbSNP rs150381803, ClinGen allele CA10497258.

ClinVar aggregate classification (germline): Benign. Review status: criteria provided, single submitter (1 of 4 stars). 2 submissions from 2 submitters: Benign (1). 1 of the submissions does not count toward it. Last evaluated 2018-04-04.

Conditions:
AGTR2-related disorder. Also called: AGTR2-related condition.

Allele frequency attached by ClinVar (database versions not stated): gnomAD exomes 0.00007 and 0.00025; ExAC 0.00035; 1000 Genomes Project 30x 0.00042; 1000 Genomes Project 0.00053; gnomAD 0.00074 and 0.00078; ESP Exome Variant Server 0.00076; TOPMed 0.00087.

Submissions (2):

Labcorp Genetics (formerly Invitae), Labcorp
Classification: Benign. Last evaluated: 2018-04-04. Review status: criteria provided, single submitter. Criteria: Invitae Variant Classification Sherloc (09022015). Collection method: clinical testing. Allele origin: germline.

PreventionGenetics, part of Exact Sciences
Classification: Likely benign for AGTR2-related condition. Last evaluated: 2019-06-04. Review status: no assertion criteria provided. Collection method: clinical testing. Allele origin: germline. Not counted in ClinVar's aggregate classification.
Comment: This variant is classified as likely benign based on ACMG/AMP sequence variant interpretation guidelines (Richards et al. 2015 PMID: 25741868, with internal and published modifications).